The following is an entry in ClinVar:

NM_019098.5(CNGB3):c.1255G>T (p.Glu419Ter)

Gene: CNGB3 (cyclic nucleotide gated channel subunit beta 3; minus strand). Cytogenetic location: 8q21.3.
Variant type: single nucleotide variant.
Coding change: c.1255G>T on transcript NM_019098.5 (MANE Select); coding-DNA position 1255, G replaced by T.
Protein change: p.Glu419Ter; replaces glutamic acid 419 with a stop codon.
Molecular consequence: nonsense.
Genome position (GRCh38, 1-based): chr8:86,632,817, C>A on the plus strand (G>T on the coding strand, the complement: CNGB3 is on the minus strand). VCF-style: chr8-86632817-C-A. GRCh37 (hg19) VCF-style: chr8-87645045-C-A.
Other names: short protein forms E419*.
Identifiers: ClinVar variation 427690 (VCV000427690.15), dbSNP rs372302139, ClinGen allele CA4800090.

ClinVar aggregate classification (germline): Pathogenic. Review status: criteria provided, multiple submitters, no conflicts (2 of 4 stars). 4 submissions from 4 submitters: Pathogenic (3). 1 of the submissions does not count toward it. Last evaluated 2025-05-05.

Conditions:
Achromatopsia. Also called: Rod monochromatism. Identifiers: Orphanet 49382, MedGen C0152200, MONDO:0018852, HP:0011516.
Achromatopsia 3 (ACHM3). Also called: ACHROMATOPSIA WITH MYOPIA; PINGELAPESE BLINDNESS; TOTAL COLORBLINDNESS WITH MYOPIA; ROD MONOCHROMACY 1; ROD MONOCHROMATISM 1. Identifiers: Orphanet 49382, MedGen C1849792, MONDO:0009875, OMIM 262300.

Allele frequency attached by ClinVar (database versions not stated): TOPMed below 0.00001; gnomAD 0.00001; ESP Exome Variant Server 0.00008.
gnomAD v4.1: 8 of 1,612,750 alleles (0.0005%); highest among the groups gnomAD compares: Non-Finnish European, 0.00068%; no homozygotes.

Submissions (4):

Natera, Inc.
Classification: Pathogenic for Achromatopsia. Last evaluated: 2025-05-05. Review status: criteria provided, single submitter. Criteria: Natera Variant Classification Schema (03/2026). Collection method: clinical testing. Allele origin: germline.
Comment: The c.1255G>T variant in CNGB3 is a nonsense variant predicted to introduce a stop codon at amino acid 419. This variant is expected to result in nonsense mediated decay, truncation, or a dysfunctional protein product. This variant is rare in the general population with a frequency below the threshold expected for the associated phenotype(s). This variant has been observed in one or more individuals affected with the associated recessive disease, as either homozygous or compound heterozygous with a second variant (PMID: 28795510). Additionally, this variant has been observed to segregate in affected family members (PMID: 28795510). Given the available evidence, this variant is classified as Pathogenic.

Labcorp Genetics (formerly Invitae), Labcorp
Classification: Pathogenic. Last evaluated: 2022-04-01. Review status: criteria provided, single submitter. Criteria: Invitae Variant Classification Sherloc (09022015). Collection method: clinical testing. Allele origin: germline.
Comment: This sequence change creates a premature translational stop signal (p.Glu419*) in the CNGB3 gene. It is expected to result in an absent or disrupted protein product. Loss-of-function variants in CNGB3 are known to be pathogenic (PMID: 28795510). This variant is present in population databases (rs372302139, gnomAD 0.0009%). This premature translational stop signal has been observed in individual(s) with achromatopsia (PMID: 15657609, 27479814, 28795510). ClinVar contains an entry for this variant (Variation ID: 427690). Algorithms developed to predict the effect of sequence changes on RNA splicing suggest that this variant may disrupt the consensus splice site. For these reasons, this variant has been classified as Pathogenic.

Eurofins Ntd Llc (ga)
Classification: Pathogenic. Last evaluated: 2016-11-15. Review status: criteria provided, single submitter. Criteria: EGL Classification Definitions 2015. Collection method: clinical testing. Allele origin: germline. Observed: 1 variant allele, 1 homozygote.

Molecular Genetics Laboratory, Institute for Ophthalmic Research
Classification: Pathogenic for ACHM3. Last evaluated: 2017-03-27. Review status: no assertion criteria provided. Collection method: research. Allele origin: germline. Affected: yes. Not counted in ClinVar's aggregate classification.

Literature cited by the submitters: PubMed 28795510 (cited by 3 submitters); PubMed 15657609 (cited by Labcorp Genetics (formerly Invitae), Labcorp and Eurofins Ntd Llc (ga)); PubMed 27479814 (cited by Labcorp Genetics (formerly Invitae), Labcorp).